The following is an entry in ClinVar:

NM_004977.3(KCNC3):c.700G>T (p.Gly234Cys)

Gene: KCNC3 (potassium voltage-gated channel subfamily C member 3; minus strand). Cytogenetic location: 19q13.33.
Variant type: single nucleotide variant.
Coding change: c.700G>T on transcript NM_004977.3 (MANE Select); coding-DNA position 700, G replaced by T.
Protein change: p.Gly234Cys; replaces glycine 234 with cysteine.
Molecular consequence: missense variant.
Genome position (GRCh38, 1-based): chr19:50,328,383, C>A on the plus strand (G>T on the coding strand, the complement: KCNC3 is on the minus strand). VCF-style: chr19-50328383-C-A. GRCh37 (hg19) VCF-style: chr19-50831640-C-A.
Other names: c.472G>T, p.Gly158Cys (NM_001372305.1); c.700G>T (NM_004977.2); short protein forms G234C, G158C.
Identifiers: ClinVar variation 1348856 (VCV001348856.10), dbSNP rs912072477, ClinGen allele CA309575864.

ClinVar aggregate classification (germline): Uncertain significance. Review status: criteria provided, multiple submitters, no conflicts (2 of 4 stars). 2 submissions from 2 submitters: Uncertain significance (2). Last evaluated 2026-01-05.

Conditions:
Inborn genetic diseases. Identifiers: MedGen C0950123, MeSH D030342.

Allele frequency attached by ClinVar (database versions not stated): gnomAD exomes below 0.00001.
gnomAD v4.1: 23 of 1,260,844 alleles (0.0018%); highest among the groups gnomAD compares: African/African-American, 0.033%; no homozygotes.

Submissions (2):

Labcorp Genetics (formerly Invitae), Labcorp
Classification: Uncertain significance. Last evaluated: 2026-01-05. Review status: criteria provided, single submitter. Criteria: Invitae Variant Classification Sherloc (09022015). Collection method: clinical testing. Allele origin: germline.
Comment: This sequence change replaces glycine, which is neutral and non-polar, with cysteine, which is neutral and slightly polar, at codon 234 of the KCNC3 protein (p.Gly234Cys). This variant is present in population databases (no rsID available, gnomAD 0.04%). This variant has not been reported in the literature in individuals affected with KCNC3-related conditions. ClinVar contains an entry for this variant (Variation ID: 1348856). An algorithm developed to predict the effect of missense changes on protein structure and function (PolyPhen-2) suggests that this variant is likely to be disruptive. In summary, the available evidence is currently insufficient to determine the role of this variant in disease. Therefore, it has been classified as a Variant of Uncertain Significance.

Ambry Genetics
Classification: Uncertain significance for Inborn genetic diseases. Last evaluated: 2024-10-01. Review status: criteria provided, single submitter. Criteria: Ambry Variant Classification Scheme 2023. Collection method: clinical testing. Allele origin: germline.